The following is an entry in ClinVar:

ClinVar aggregate classification (germline): Uncertain significance. Review status: criteria provided, multiple submitters, no conflicts (2 of 4 stars). 2 submissions from 2 submitters: Uncertain significance (2). Last evaluated 2026-04-05.

Conditions:
Inborn genetic diseases. Identifiers: MedGen C0950123, MeSH D030342.

Submissions (2):

Ambry Genetics
Classification: Uncertain significance for Inborn genetic diseases. Last evaluated: 2026-04-05. Review status: criteria provided, single submitter. Criteria: Ambry Variant Classification Scheme 2023. Collection method: clinical testing. Allele origin: germline.
Comment: The p.P461A variant (also known as c.1381C>G), located in coding exon 5 of the GATA2 gene, results from a C to G substitution at nucleotide position 1381. The proline at codon 461 is replaced by alanine, an amino acid with highly similar properties. This amino acid position is conserved. In addition, the in silico prediction for this alteration is inconclusive. Based on the available evidence, the clinical significance of this variant remains unclear.

GeneDx
Classification: Uncertain significance. Last evaluated: 2024-10-07. Review status: criteria provided, single submitter. Criteria: GeneDx Variant Classification Process June 2021. Collection method: clinical testing. Allele origin: germline. Affected: yes.
Comment: Not observed at significant frequency in large population cohorts (gnomAD); In silico analysis supports that this missense variant has a deleterious effect on protein structure/function; Has not been previously published as pathogenic or benign to our knowledge

NM_032638.5(GATA2):c.1381C>G (p.Pro461Ala)

Gene: GATA2 (GATA binding protein 2; minus strand). Cytogenetic location: 3q21.3.
Variant type: single nucleotide variant.
Coding change: c.1381C>G on transcript NM_032638.5 (MANE Select); coding-DNA position 1381, C replaced by G.
Protein change: p.Pro461Ala; replaces proline 461 with alanine.
Molecular consequence: missense variant.
Genome position (GRCh38, 1-based): chr3:128,481,081, G>C on the plus strand (C>G on the coding strand, the complement: GATA2 is on the minus strand). VCF-style: chr3-128481081-G-C. GRCh37 (hg19) VCF-style: chr3-128199924-G-C.
Other names: c.1381C>G, p.Pro461Ala (NM_001145661.2); c.1339C>G, p.Pro447Ala (NM_001145662.1); short protein forms P447A, P461A.
Identifiers: ClinVar variation 3776518 (VCV003776518.2).